The following is an entry in ClinVar:

NM_001384732.1(CPLANE1):c.5957A>T (p.Asp1986Val)

Gene: CPLANE1 (ciliogenesis and planar polarity effector complex subunit 1; minus strand). Cytogenetic location: 5p13.2.
Variant type: single nucleotide variant.
Coding change: c.5957A>T on transcript NM_001384732.1 (MANE Select); coding-DNA position 5957, A replaced by T.
Protein change: p.Asp1986Val; replaces aspartic acid 1986 with valine.
Molecular consequence: missense variant.
Genome position (GRCh38, 1-based): chr5:37,175,930, T>A on the plus strand (A>T on the coding strand, the complement: CPLANE1 is on the minus strand). VCF-style: chr5-37175930-T-A. GRCh37 (hg19) VCF-style: chr5-37176032-T-A.
Other names: c.5957A>T, p.Asp1986Val (NM_023073.4); short protein forms D1986V.
Identifiers: ClinVar variation 1517534 (VCV001517534.6), dbSNP rs762263576, ClinGen allele CA3238383.

ClinVar aggregate classification (germline): Uncertain significance (1 of 4 stars; one submission).

gnomAD v4.1: 4 of 1,613,344 alleles (0.00025%); highest among the groups gnomAD compares: South Asian, 0.0011%; no homozygotes.

Submission:

Labcorp Genetics (formerly Invitae), Labcorp
Classification: Uncertain significance. Last evaluated: 2022-03-01. Review status: criteria provided, single submitter. Criteria: Invitae Variant Classification Sherloc (09022015). Collection method: clinical testing. Allele origin: germline.
Comment: This variant has not been reported in the literature in individuals affected with CPLANE1-related conditions. This variant is present in population databases (rs762263576, gnomAD 0.003%). This sequence change replaces aspartic acid, which is acidic and polar, with valine, which is neutral and non-polar, at codon 1986 of the CPLANE1 protein (p.Asp1986Val). Advanced modeling of protein sequence and biophysical properties (such as structural, functional, and spatial information, amino acid conservation, physicochemical variation, residue mobility, and thermodynamic stability) performed at Invitae indicates that this missense variant is not expected to disrupt CPLANE1 protein function. In summary, the available evidence is currently insufficient to determine the role of this variant in disease. Therefore, it has been classified as a Variant of Uncertain Significance.